The following is an entry in ClinVar:

NM_025103.4(IFT74):c.865G>C (p.Asp289His)

Gene: IFT74 (intraflagellar transport 74; plus strand). Cytogenetic location: 9p21.2.
Variant type: single nucleotide variant.
Coding change: c.865G>C on transcript NM_025103.4 (MANE Select); coding-DNA position 865, G replaced by C.
Protein change: p.Asp289His; replaces aspartic acid 289 with histidine.
Molecular consequence: missense variant.
Genome position (GRCh38, 1-based): chr9:27,016,982, G>C. VCF-style: chr9-27016982-G-C. GRCh37 (hg19) VCF-style: chr9-27016980-G-C.
Other names: c.865G>C, p.Asp289His (NM_001099222.3, NM_001099223.3, NM_001099224.3 and 1 more transcripts); c.865G>C (NM_001099222.1); short protein forms D289H.
Identifiers: ClinVar variation 3358391 (VCV003358391.2).

ClinVar aggregate classification (germline): Uncertain significance. Review status: criteria provided, single submitter (1 of 4 stars). 2 submissions from 2 submitters: Uncertain significance (1). 1 of the submissions does not count toward it. Last evaluated 2025-05-13.

Conditions:
IFT74-related disorder. Also called: IFT74-related condition; IFT74-Related Disorders.
Inborn genetic diseases. Identifiers: MedGen C0950123, MeSH D030342.

gnomAD v4.1: 18 of 1,611,202 alleles (0.0011%); highest among the groups gnomAD compares: Non-Finnish European, 0.0015%; no homozygotes.

Submissions (2):

Ambry Genetics
Classification: Uncertain significance for Inborn genetic diseases. Last evaluated: 2025-05-13. Review status: criteria provided, single submitter. Criteria: Ambry Variant Classification Scheme 2023. Collection method: clinical testing. Allele origin: germline.

PreventionGenetics, part of Exact Sciences
Classification: Uncertain significance for IFT74-related condition. Last evaluated: 2024-06-23. Review status: no assertion criteria provided. Collection method: clinical testing. Allele origin: germline. Not counted in ClinVar's aggregate classification.
Comment: The IFT74 c.865G>C variant is predicted to result in the amino acid substitution p.Asp289His. To our knowledge, this variant has not been reported in the literature. This variant is reported in 0.0065% of alleles in individuals of European (Non-Finnish) descent in gnomAD. At this time, the clinical significance of this variant is uncertain due to the absence of conclusive functional and genetic evidence.